The following is an entry in ClinVar:

ClinVar aggregate classification (germline): Uncertain significance (1 of 4 stars; one submission).

Conditions:
Cystic fibrosis (CF). Also called: MUCOVISCIDOSIS. Identifiers: Orphanet 586, MedGen C0010674, MONDO:0009061, OMIM 219700. Disease mechanism: loss of function.

Submission:

Labcorp Genetics (formerly Invitae), Labcorp
Classification: Uncertain significance for Cystic fibrosis. Last evaluated: 2023-10-17. Review status: criteria provided, single submitter. Criteria: Invitae Variant Classification Sherloc (09022015). Collection method: clinical testing. Allele origin: germline.
Comment: This sequence change replaces aspartic acid, which is acidic and polar, with valine, which is neutral and non-polar, at codon 443 of the CFTR protein (p.Asp443Val). This variant is not present in population databases (gnomAD no frequency). This variant has not been reported in the literature in individuals affected with CFTR-related conditions. Advanced modeling of protein sequence and biophysical properties (such as structural, functional, and spatial information, amino acid conservation, physicochemical variation, residue mobility, and thermodynamic stability) has been performed at Invitae for this missense variant, however the output from this modeling did not meet the statistical confidence thresholds required to predict the impact of this variant on CFTR protein function. This variant disrupts the p.Asp443 amino acid residue in CFTR. Other variant(s) that disrupt this residue have been determined to be pathogenic (PMID: 10922395, 15126740, 21520337, 22678879, 23951356). This suggests that this residue is clinically significant, and that variants that disrupt this residue are likely to be disease-causing. In summary, the available evidence is currently insufficient to determine the role of this variant in disease. Therefore, it has been classified as a Variant of Uncertain Significance.

Literature cited by the submitters: PubMed 10922395; PubMed 15126740; PubMed 21520337; PubMed 22678879; PubMed 23951356.

NM_000492.4(CFTR):c.1328A>T (p.Asp443Val)

Genes: CFTR (CF transmembrane conductance regulator; plus strand), CFTR-AS1 (CFTR antisense RNA 1; minus strand). Cytogenetic location: 7q31.2.
Variant type: single nucleotide variant.
Coding change: c.1328A>T on transcript NM_000492.4 (MANE Select); coding-DNA position 1328, A replaced by T.
Protein change: p.Asp443Val; replaces aspartic acid 443 with valine.
Molecular consequence: missense variant.
Genome position (GRCh38, 1-based): chr7:117,548,759, A>T. VCF-style: chr7-117548759-A-T. GRCh37 (hg19) VCF-style: chr7-117188813-A-T.
Other names: short protein forms D443V.
Identifiers: ClinVar variation 2769610 (VCV002769610.3), dbSNP rs2485046372, ClinGen allele CA368982045.
Genomic context (GRCh38, chr7:117,548,759, plus strand): 5'-ATGGTGATGACAGCCTCTTCTTCAGTAATTTCTCACTTCTTGGTACTCCTGTCCTGAAAG[A>T]TATTAATTTCAAGATAGAAAGAGGACAGTTGTTGGCGGTTGCTGGATCCACTGGAGCAGG-3'
Protein context (NP_000483.3, residues 433-453): FSLLGTPVLK[Asp443Val]INFKIERGQL